The following is an entry in ClinVar:

NM_004415.4(DSP):c.1532T>G (p.Ile511Ser)

Gene: DSP (desmoplakin; plus strand). Cytogenetic location: 6p24.3.
Variant type: single nucleotide variant.
Coding change: c.1532T>G on transcript NM_004415.4 (MANE Select); coding-DNA position 1532, T replaced by G.
Protein change: p.Ile511Ser; replaces isoleucine 511 with serine.
Molecular consequence: missense variant.
Genome position (GRCh38, 1-based): chr6:7,569,298, T>G. VCF-style: chr6-7569298-T-G. GRCh37 (hg19) VCF-style: chr6-7569531-T-G.
Other names: c.1532T>G, p.Ile511Ser (NM_001008844.3, NM_001319034.2); short protein forms I511S.
Identifiers: ClinVar variation 3386635 (VCV003386635.1).

ClinVar aggregate classification (germline): Uncertain significance (1 of 4 stars; one submission).

Conditions:
Arrhythmogenic cardiomyopathy with wooly hair and keratoderma. Also called: Carvajal syndrome; PALMOPLANTAR KERATODERMA WITH LEFT VENTRICULAR CARDIOMYOPATHY AND WOOLLY HAIR; Dilated cardiomyopathy with woolly hair and keratoderma; Arrhythmogenic cardiomyopathy with woolly hair and keratoderma. Identifiers: Orphanet 65282, MedGen C1854063, MONDO:0011581, OMIM 605676.

gnomAD v4.1: 2 of 1,614,082 alleles (0.00012%); highest among the groups gnomAD compares: Non-Finnish European, 0.000085%; no homozygotes.

Submission:

All of Us Research Program, National Institutes of Health
Classification: Uncertain significance for Arrhythmogenic cardiomyopathy with wooly hair and keratoderma. Last evaluated: 2024-06-11. Review status: criteria provided, single submitter. Criteria: ACMG Guidelines, 2015. Collection method: clinical testing. Allele origin: germline. Inheritance: Autosomal dominant inheritance. Observed: 1 variant allele, 1 heterozygote.
Comment: This study involves interpretation of variants in research participants for the purpose of population health screening. Participant phenotype was not available at the time of variant classification. Additional details can be found in publication PMID: 35346344, PMCID: PMC8962531